The following is an entry in ClinVar:

ClinVar aggregate classification (germline): Uncertain significance (1 of 4 stars; one submission).

Conditions:
Mitochondrial hypertrophic cardiomyopathy with lactic acidosis due to MTO1 deficiency. Also called: CARDIOMYOPATHY, INFANTILE HYPERTROPHIC MITOCHONDRIAL, AND LACTIC ACIDOSIS; Combined oxidative phosphorylation deficiency 10. Identifiers: Orphanet 314637, MedGen C4749921, MONDO:0013865, OMIM 614702.

Allele frequency attached by ClinVar (database versions not stated): ExAC 0.00002; gnomAD exomes below 0.00001; TOPMed below 0.00001; gnomAD 0.00001.
gnomAD v4.1: 5 of 1,613,830 alleles (0.00031%); highest among the groups gnomAD compares: Non-Finnish European, 0.00042%; no homozygotes.

Submission:

Labcorp Genetics (formerly Invitae), Labcorp
Classification: Uncertain significance for Mitochondrial hypertrophic cardiomyopathy with lactic acidosis due to MTO1 deficiency. Last evaluated: 2021-12-09. Review status: criteria provided, single submitter. Criteria: Invitae Variant Classification Sherloc (09022015). Collection method: clinical testing. Allele origin: germline.
Comment: In summary, the available evidence is currently insufficient to determine the role of this variant in disease. Therefore, it has been classified as a Variant of Uncertain Significance. Algorithms developed to predict the effect of missense changes on protein structure and function (SIFT, PolyPhen-2, Align-GVGD) all suggest that this variant is likely to be tolerated. This variant has not been reported in the literature in individuals affected with MTO1-related conditions. This variant is present in population databases (rs781641433, gnomAD 0.002%). This sequence change replaces aspartic acid, which is acidic and polar, with glycine, which is neutral and non-polar, at codon 559 of the MTO1 protein (p.Asp559Gly).

NM_012123.4(MTO1):c.1676A>G (p.Asp559Gly)

Gene: MTO1 (mitochondrial tRNA translation optimization 1; plus strand). Cytogenetic location: 6q13.
Variant type: single nucleotide variant.
Coding change: c.1676A>G on transcript NM_012123.4 (MANE Select); coding-DNA position 1676, A replaced by G.
Protein change: p.Asp559Gly; replaces aspartic acid 559 with glycine.
Molecular consequence: missense variant.
Genome position (GRCh38, 1-based): chr6:73,492,272, A>G. VCF-style: chr6-73492272-A-G. GRCh37 (hg19) VCF-style: chr6-74201995-A-G.
Other names: c.1796A>G, p.Asp599Gly (NM_001123226.2); c.1751A>G, p.Asp584Gly (NM_133645.3); short protein forms D599G, D559G, D584G.
Identifiers: ClinVar variation 2082371 (VCV002082371.4), dbSNP rs781641433, ClinGen allele CA3889733.